The following is an entry in ClinVar:

ClinVar aggregate classification (germline): Uncertain significance (1 of 4 stars; one submission).

Conditions:
Autosomal recessive limb-girdle muscular dystrophy type 2N. Also called: MUSCULAR DYSTROPHY-DYSTROGLYCANOPATHY, LIMB-GIRDLE, POMT2-RELATED; Muscular dystrophy-dystroglycanopathy (limb-girdle), type C, 2. Identifiers: Orphanet 206559, MedGen C3150418, MONDO:0013162, OMIM 613158.
Muscular dystrophy-dystroglycanopathy (congenital with brain and eye anomalies), type A2. Also called: MUSCULAR DYSTROPHY-DYSTROGLYCANOPATHY (CONGENITAL WITH BRAIN AND EYE ANOMALIES), TYPE A, 2; WALKER-WARBURG SYNDROME OR MUSCLE-EYE-BRAIN DISEASE, POMT2-RELATED. Identifiers: Orphanet 588, Orphanet 899, MedGen C3150411, MONDO:0013154, OMIM 613150.
Muscular dystrophy-dystroglycanopathy (congenital with impaired intellectual development), type B, 2. Also called: Muscular dystrophy-dystroglycanopathy (congenital with intellectual disability), type B2; MUSCULAR DYSTROPHY, CONGENITAL, POMT2-RELATED. Identifiers: MedGen C3150416, MONDO:0013160, OMIM 613156.

Submission:

Labcorp Genetics (formerly Invitae), Labcorp
Classification: Uncertain significance for Muscular dystrophy-dystroglycanopathy (congenital with impaired intellectual development), type B, 2; Muscular dystrophy-dystroglycanopathy (congenital with brain and eye anomalies), type A2; Autosomal recessive limb-girdle muscular dystrophy type 2N. Last evaluated: 2022-04-09. Review status: criteria provided, single submitter. Criteria: Invitae Variant Classification Sherloc (09022015). Collection method: clinical testing. Allele origin: germline.
Comment: A copy number gain of the genomic region encompassing the full coding sequence of the POMT2 gene has been identified. The boundaries of this event are unknown as they extend beyond the assayed region for this gene and therefore may encompass additional genes. As the precise location of this event is unknown, it may be in tandem or it may be located elsewhere in the genome. This variant has not been reported in the literature in individuals affected with POMT2-related conditions. In summary, the available evidence is currently insufficient to determine the role of this variant in disease. Therefore, it has been classified as a Variant of Uncertain Significance.

NC_000014.8:g.(?_77743719)_(77787024_?)dup

Gene: POMT2 (protein O-mannosyltransferase 2; minus strand). Cytogenetic location: 14q24.3.
Variant type: Duplication.
Identifiers: ClinVar variation 2425863 (VCV002425863.5).